The following is an entry in ClinVar:

ClinVar aggregate classification (germline): Uncertain significance. Review status: criteria provided, multiple submitters, no conflicts (2 of 4 stars). 2 submissions from 2 submitters: Uncertain significance (2). Last evaluated 2026-01-29.

Conditions:
Transcobalamin II deficiency (TCN2D). Also called: TC II DEFICIENCY; TCN2 DEFICIENCY; Transcolabamin II deficiency. Identifiers: Orphanet 859, MedGen C0342701, MONDO:0010149, OMIM 275350.
Inborn genetic diseases. Identifiers: MedGen C0950123, MeSH D030342.

Allele frequency attached by ClinVar (database versions not stated): ExAC 0.00002; gnomAD exomes 0.00005; gnomAD 0.00009; TOPMed 0.00009.

Submissions (2):

Labcorp Genetics (formerly Invitae), Labcorp
Classification: Uncertain significance for Transcobalamin II deficiency. Last evaluated: 2026-01-29. Review status: criteria provided, single submitter. Criteria: Invitae Variant Classification Sherloc (09022015). Collection method: clinical testing. Allele origin: germline.
Comment: This sequence change replaces valine, which is neutral and non-polar, with isoleucine, which is neutral and non-polar, at codon 295 of the TCN2 protein (p.Val295Ile). This variant is present in population databases (rs770684965, gnomAD 0.02%). This variant has not been reported in the literature in individuals affected with TCN2-related conditions. ClinVar contains an entry for this variant (Variation ID: 845491). Invitae Evidence Modeling of protein sequence and biophysical properties (such as structural, functional, and spatial information, amino acid conservation, physicochemical variation, residue mobility, and thermodynamic stability) indicates that this missense variant is not expected to disrupt TCN2 protein function with a negative predictive value of 80%. In summary, the available evidence is currently insufficient to determine the role of this variant in disease. Therefore, it has been classified as a Variant of Uncertain Significance.

Ambry Genetics
Classification: Uncertain significance for Inborn genetic diseases. Last evaluated: 2023-12-18. Review status: criteria provided, single submitter. Criteria: Ambry Variant Classification Scheme 2023. Collection method: clinical testing. Allele origin: germline.

NM_000355.4(TCN2):c.883G>A (p.Val295Ile)

Gene: TCN2 (transcobalamin 2; plus strand). Cytogenetic location: 22q12.2.
Variant type: single nucleotide variant.
Coding change: c.883G>A on transcript NM_000355.4 (MANE Select); coding-DNA position 883, G replaced by A.
Protein change: p.Val295Ile; replaces valine 295 with isoleucine.
Molecular consequence: missense variant.
Genome position (GRCh38, 1-based): chr22:30,615,730, G>A. VCF-style: chr22-30615730-G-A. GRCh37 (hg19) VCF-style: chr22-31011717-G-A.
Other names: c.802G>A, p.Val268Ile (NM_001184726.2); short protein forms V268I, V295I.
Identifiers: ClinVar variation 845491 (VCV000845491.8), dbSNP rs770684965, ClinGen allele CA10184870.